The following is an entry in ClinVar:

NM_001308093.3(GATA4):c.307C>G (p.Pro103Ala)

Gene: GATA4 (GATA binding protein 4). Cytogenetic location: 8p23.1.
Variant type: single nucleotide variant.
Coding change: c.307C>G on transcript NM_001308093.3 (MANE Select); coding-DNA position 307, C replaced by G.
Protein change: p.Pro103Ala; replaces proline 103 with alanine.
Molecular consequence: missense variant. On other transcripts: intron variant (3).
Genome position (GRCh38, 1-based): chr8:11,708,619, C>G. VCF-style: chr8-11708619-C-G. GRCh37 (hg19) VCF-style: chr8-11566128-C-G.
Other names: c.307C>G, p.Pro103Ala (NM_002052.5); c.-6+7841C>G (NM_001308094.2); c.-3+605C>G (NM_001374274.1); c.-3+4315C>G (NM_001374273.1); short protein forms P103A.
Identifiers: ClinVar variation 2735120 (VCV002735120.3), dbSNP rs1800009849, ClinGen allele CA370309355.

ClinVar aggregate classification (germline): Uncertain significance (1 of 4 stars; one submission).

Conditions:
Atrioventricular septal defect 4 (AVSD4). Identifiers: MedGen C3280781, MONDO:0013747, OMIM 614430.

Submission:

Labcorp Genetics (formerly Invitae), Labcorp
Classification: Uncertain significance for Atrioventricular septal defect 4. Last evaluated: 2024-01-01. Review status: criteria provided, single submitter. Criteria: Invitae Variant Classification Sherloc (09022015). Collection method: clinical testing. Allele origin: germline.
Comment: This sequence change replaces proline, which is neutral and non-polar, with alanine, which is neutral and non-polar, at codon 103 of the GATA4 protein (p.Pro103Ala). This variant is not present in population databases (gnomAD no frequency). This missense change has been observed in individual(s) with atrial fibrillation (PMID: 22552926). Advanced modeling of protein sequence and biophysical properties (such as structural, functional, and spatial information, amino acid conservation, physicochemical variation, residue mobility, and thermodynamic stability) performed at Invitae indicates that this missense variant is not expected to disrupt GATA4 protein function with a negative predictive value of 80%. Experimental studies have shown that this missense change affects GATA4 function (PMID: 22552926). In summary, the available evidence is currently insufficient to determine the role of this variant in disease. Therefore, it has been classified as a Variant of Uncertain Significance.

Literature cited by the submitters: PubMed 22552926.